The following is an entry in ClinVar:

NM_001378030.1(CCDC78):c.737G>A (p.Arg246Gln)

Gene: CCDC78 (coiled-coil domain containing 78; minus strand). Cytogenetic location: 16p13.3.
Variant type: single nucleotide variant.
Coding change: c.737G>A on transcript NM_001378030.1 (MANE Select); coding-DNA position 737, G replaced by A.
Protein change: p.Arg246Gln; replaces arginine 246 with glutamine.
Molecular consequence: missense variant. On other transcripts: non-coding transcript variant (5), intron variant (1).
Genome position (GRCh38, 1-based): chr16:724,709, C>T on the plus strand (G>A on the coding strand, the complement: CCDC78 is on the minus strand). VCF-style: chr16-724709-C-T. GRCh37 (hg19) VCF-style: chr16-774709-C-T.
Other names: c.737G>A, p.Arg246Gln (NM_001031737.3, NM_001378031.1); c.199-200G>A (NM_001378033.1); short protein forms R246Q.
Identifiers: ClinVar variation 473264 (VCV000473264.38), dbSNP rs147606575, ClinGen allele CA7789443.

ClinVar aggregate classification (germline): Benign/Likely benign. Review status: criteria provided, multiple submitters, no conflicts (2 of 4 stars). 4 submissions from 4 submitters: Benign (1); Likely benign (3). Last evaluated 2026-02-01.

Conditions:
Congenital myopathy with internal nuclei and atypical cores. Also called: Myopathy, centronuclear, 4. Identifiers: Orphanet 319160, MedGen C4707232, MONDO:0013890, OMIM 614807.

Allele frequency attached by ClinVar (database versions not stated): 1000 Genomes Project 30x 0.00078; 1000 Genomes Project 0.00100; gnomAD 0.00175 and 0.00180; ExAC 0.00180; TOPMed 0.00206; ESP Exome Variant Server 0.00232.

Submissions (4):

CeGaT Center for Human Genetics Tuebingen
Classification: Likely benign. Last evaluated: 2026-02-01. Review status: criteria provided, single submitter. Criteria: CeGaT Center For Human Genetics Tuebingen Variant Classification Criteria Version 2. Collection method: clinical testing. Allele origin: germline. Affected: yes. Observed: 3 variant alleles.
Comment: CCDC78: BP4, BS1

Labcorp Genetics (formerly Invitae), Labcorp
Classification: Likely benign for Congenital myopathy with internal nuclei and atypical cores. Last evaluated: 2026-01-15. Review status: criteria provided, single submitter. Criteria: Invitae Variant Classification Sherloc (09022015). Collection method: clinical testing. Allele origin: germline.

Athena Diagnostics
Classification: Likely benign. Last evaluated: 2024-05-23. Review status: criteria provided, single submitter. Criteria: Athena Diagnostics Criteria. Collection method: clinical testing. Allele origin: unknown.

GeneDx
Classification: Benign. Last evaluated: 2020-01-03. Review status: criteria provided, single submitter. Criteria: GeneDx Variant Classification Process June 2021. Collection method: clinical testing. Allele origin: germline. Affected: yes.

Literature cited by the submitters: PubMed 29970176 (cited by Athena Diagnostics); PubMed 29590070 (cited by Athena Diagnostics).